The following is an entry in ClinVar:

ClinVar aggregate classification (germline): Uncertain significance (1 of 4 stars; one submission).

Submission:

ISCA site 15
Classification: Uncertain significance. Last evaluated: 2011-08-12. Review status: criteria provided, single submitter. Criteria: Kaminsky et al. (Genet Med. 2011). Collection method: clinical testing. Allele origin: unknown. Affected: yes. Observed: 1 variant allele.
Comment: Copy number variation identified through the course of routine clinical cytogenomic testing in postnatal populations. Clinical assertions have been curated as described in Kaminsky et al. 2011.

GRCh38/hg38 17p13.3-13.2(chr17:3036729-3684667)x3

Genes: ASPA (aspartoacylase; plus strand), CTNS (cystinosin, lysosomal cystine transporter; plus strand), CTNS-AS1 (CTNS antisense RNA 1; minus strand), EMC6 (ER membrane protein complex subunit 6; plus strand), OR1A1 (olfactory receptor family 1 subfamily A member 1; plus strand) and 30 more. Cytogenetic location: 17p13.3-13.2.
Variant type: copy number gain.
Change: copy number 3 (three copies instead of two) of chr17:3,036,729-3,684,667 (647.9 kb, GRCh38 coordinates, 1-based), cytogenetic band 17p13.3-13.2.
Identifiers: ClinVar variation 60099 (VCV000060099.1).